The following is an entry in ClinVar:

ClinVar aggregate classification (germline): Uncertain significance. Review status: criteria provided, single submitter (1 of 4 stars). 2 submissions from 2 submitters: Uncertain significance (1). 1 of the submissions does not count toward it. Last evaluated 2025-01-01.

Conditions:
Frontorhiny (FND1). Also called: Frontonasal dysplasia 1; FRONTONASAL MALFORMATION. Identifiers: Orphanet 391474, MedGen C5574965, MONDO:0007636, OMIM 136760.

Allele frequency attached by ClinVar (database versions not stated): ExAC 0.00001; gnomAD exomes 0.00001; TOPMed 0.00001.
gnomAD v4.1: 7 of 1,614,116 alleles (0.00043%); highest among the groups gnomAD compares: East Asian, 0.0022%; no homozygotes.

Submissions (2):

Labcorp Genetics (formerly Invitae), Labcorp
Classification: Uncertain significance. Last evaluated: 2025-01-01. Review status: criteria provided, single submitter. Criteria: Invitae Variant Classification Sherloc (09022015). Collection method: clinical testing. Allele origin: germline.
Comment: This sequence change replaces arginine, which is basic and polar, with tryptophan, which is neutral and slightly polar, at codon 183 of the ALX3 protein (p.Arg183Trp). This variant is present in population databases (rs121908168, gnomAD 0.006%). This missense change has been observed in individual(s) with frontonasal malformation (PMID: 19409524). ClinVar contains an entry for this variant (Variation ID: 4645). An algorithm developed to predict the effect of missense changes on protein structure and function (PolyPhen-2) suggests that this variant is likely to be disruptive. In summary, the available evidence is currently insufficient to determine the role of this variant in disease. Therefore, it has been classified as a Variant of Uncertain Significance.

OMIM
Classification: Pathogenic for FRONTONASAL DYSPLASIA 1. Last evaluated: 2009-05-01. Review status: no assertion criteria provided. Collection method: literature only. Allele origin: germline. Not counted in ClinVar's aggregate classification.

Literature cited by the submitters: PubMed 19409524 (cited by Labcorp Genetics (formerly Invitae), Labcorp and OMIM).

NM_006492.3(ALX3):c.547C>T (p.Arg183Trp)

Gene: ALX3 (ALX homeobox 3; minus strand). Cytogenetic location: 1p13.3.
Variant type: single nucleotide variant.
Coding change: c.547C>T on transcript NM_006492.3 (MANE Select); coding-DNA position 547, C replaced by T.
Protein change: p.Arg183Trp; replaces arginine 183 with tryptophan.
Molecular consequence: missense variant.
Genome position (GRCh38, 1-based): chr1:110,064,634, G>A on the plus strand (C>T on the coding strand, the complement: ALX3 is on the minus strand). VCF-style: chr1-110064634-G-A. GRCh37 (hg19) VCF-style: chr1-110607256-G-A.
Other names: c.547C>T, p.Arg183Trp (LRG_1265t1); short protein forms R183W.
Identifiers: ClinVar variation 4645 (VCV000004645.4), dbSNP rs121908168, ClinGen allele CA116982.